The following is an entry in ClinVar:

NM_032043.3(BRIP1):c.3074C>A (p.Ser1025Ter)

Gene: BRIP1 (BRCA1 interacting DNA helicase 1; minus strand). Cytogenetic location: 17q23.2.
Variant type: single nucleotide variant.
Coding change: c.3074C>A on transcript NM_032043.3 (MANE Select); coding-DNA position 3074, C replaced by A.
Protein change: p.Ser1025Ter; replaces serine 1025 with a stop codon.
Molecular consequence: nonsense.
Genome position (GRCh38, 1-based): chr17:61,683,972, G>T on the plus strand (C>A on the coding strand, the complement: BRIP1 is on the minus strand). VCF-style: chr17-61683972-G-T. GRCh37 (hg19) VCF-style: chr17-59761333-G-T.
Other names: short protein forms S1025*.
Identifiers: ClinVar variation 822804 (VCV000822804.12), dbSNP rs1603275526, ClinGen allele CA400479858.

ClinVar aggregate classification (germline): Uncertain significance. Review status: criteria provided, multiple submitters, no conflicts (2 of 4 stars). 2 submissions from 2 submitters: Uncertain significance (2). Last evaluated 2025-07-15.

Conditions:
Hereditary cancer-predisposing syndrome. Also called: Hereditary Cancer Syndrome; Neoplastic Syndromes, Hereditary; Hereditary neoplastic syndrome; Tumor predisposition. Identifiers: Orphanet 140162, MedGen C0027672, MeSH D009386, MONDO:0015356.
Familial cancer of breast. Also called: Hereditary breast cancer; hereditary breast carcinoma; BREAST CANCER, FAMILIAL. Identifiers: Orphanet 227535, MedGen C0346153, MONDO:0016419, OMIM 114480. Disease mechanism: loss of function.
Fanconi anemia complementation group J. Also called: BRIP1-Related Fanconi Anemia. Identifiers: Orphanet 84, MedGen C1836860, MONDO:0012187, OMIM 609054.

Allele frequency attached by ClinVar (database versions not stated): gnomAD exomes below 0.00001.
gnomAD v4.1: 2 of 1,614,116 alleles (0.00012%); highest among the groups gnomAD compares: South Asian, 0.0022%; no homozygotes.

Submissions (2):

Labcorp Genetics (formerly Invitae), Labcorp
Classification: Uncertain significance for Familial cancer of breast; Fanconi anemia complementation group J. Last evaluated: 2025-07-15. Review status: criteria provided, single submitter. Criteria: Invitae Variant Classification Sherloc (09022015). Collection method: clinical testing. Allele origin: germline.
Comment: This sequence change creates a premature translational stop signal (p.Ser1025*) in the BRIP1 gene. While this is not anticipated to result in nonsense mediated decay, it is expected to disrupt the last 225 amino acid(s) of the BRIP1 protein. This variant is not present in population databases (gnomAD no frequency). This variant has not been reported in the literature in individuals affected with BRIP1-related conditions. ClinVar contains an entry for this variant (Variation ID: 822804). In summary, the available evidence is currently insufficient to determine the role of this variant in disease. Therefore, it has been classified as a Variant of Uncertain Significance.

Ambry Genetics
Classification: Uncertain significance for Hereditary cancer-predisposing syndrome. Last evaluated: 2025-05-07. Review status: criteria provided, single submitter. Criteria: Ambry Variant Classification Scheme 2023. Collection method: clinical testing. Allele origin: germline.
Comment: The p.S1025* variant (also known as c.3074C>A), located in coding exon 19 of the BRIP1 gene, results from a C to A substitution at nucleotide position 3074. This changes the amino acid from a serine to a stop codon within coding exon 19. This stop codon occurs at the 3' terminus of BRIP1, is not expected to trigger nonsense-mediated mRNA decay, and impacts the last 225 amino acids of the protein. The exact functional impact of these removed amino acids is unknown at this time. While the C-terminal region of the BRIP1 protein has been shown by structural, biochemical, and mutational analysis to be relevant for some aspects of BRIP1 protein function (Gong Z et al. Mol. Cell, 2010 Feb;37:438-46; Leung CC et al. J. Biol. Chem. 2011 Feb; 286(6):4292-301; Xie J et al. PLoS Genet. 2012 Jul; 8(7):e1002786), functional studies have shown that truncations in the 3' terminus of BRIP1 display normal function in response to intra-strand cross-linking agents (Calvo JA et al. Mol Cancer Res, 2021 Jun;19:1015-1025). In addition, 3' truncations in BRIP1 occurring upstream of this variant have been detected in the homozygous or compound heterozygous state in individuals with no reported features of BRIP1-related Fanconi Anemia (FA-J) (Ambry internal data). Based on the available evidence, the clinical significance of this variant remains unclear.